The following is an entry in ClinVar:

NM_001378609.3(OTOGL):c.6427G>T (p.Glu2143Ter)

Gene: OTOGL (otogelin like; plus strand). Cytogenetic location: 12q21.31.
Variant type: single nucleotide variant.
Coding change: c.6427G>T on transcript NM_001378609.3 (MANE Select); coding-DNA position 6427, G replaced by T.
Protein change: p.Glu2143Ter; replaces glutamic acid 2143 with a stop codon.
Molecular consequence: nonsense.
Genome position (GRCh38, 1-based): chr12:80,367,656, G>T. VCF-style: chr12-80367656-G-T. GRCh37 (hg19) VCF-style: chr12-80761436-G-T.
Other names: c.6292G>T, p.Glu2098Ter (NM_001368062.3); c.6427G>T, p.Glu2143Ter (NM_001378610.3, NM_173591.7); short protein forms E2143*, E2098*.
Identifiers: ClinVar variation 1386809 (VCV001386809.6), dbSNP rs769590137, ClinGen allele CA6702040.

ClinVar aggregate classification (germline): Pathogenic (1 of 4 stars; one submission).

Allele frequency attached by ClinVar (database versions not stated): TOPMed below 0.00001; ExAC 0.00003.
gnomAD v4.1: 6 of 1,502,482 alleles (0.0004%); highest among the groups gnomAD compares: South Asian, 0.0077%; no homozygotes.

Submission:

Labcorp Genetics (formerly Invitae), Labcorp
Classification: Pathogenic. Last evaluated: 2021-11-10. Review status: criteria provided, single submitter. Criteria: Invitae Variant Classification Sherloc (09022015). Collection method: clinical testing. Allele origin: germline.
Comment: This sequence change creates a premature translational stop signal (p.Glu2134*) in the OTOGL gene. It is expected to result in an absent or disrupted protein product. Loss-of-function variants in OTOGL are known to be pathogenic (PMID: 23122586). The frequency data for this variant in the population databases is considered unreliable, as metrics indicate poor data quality at this position in the gnomAD database. This variant has not been reported in the literature in individuals affected with OTOGL-related conditions. For these reasons, this variant has been classified as Pathogenic.

Literature cited by the submitters: PubMed 23122586.